The following is an entry in ClinVar:

NM_003922.4(HERC1):c.11123A>T (p.Asp3708Val)

Gene: HERC1 (HECT and RLD domain containing E3 ubiquitin protein ligase family member 1; minus strand). Cytogenetic location: 15q22.31.
Variant type: single nucleotide variant.
Coding change: c.11123A>T on transcript NM_003922.4 (MANE Select); coding-DNA position 11123, A replaced by T.
Protein change: p.Asp3708Val; replaces aspartic acid 3708 with valine.
Molecular consequence: missense variant.
Genome position (GRCh38, 1-based): chr15:63,645,053, T>A on the plus strand (A>T on the coding strand, the complement: HERC1 is on the minus strand). VCF-style: chr15-63645053-T-A. GRCh37 (hg19) VCF-style: chr15-63937252-T-A.
Other names: short protein forms D3708V.
Identifiers: ClinVar variation 4705924 (VCV004705924.1).

ClinVar aggregate classification (germline): Uncertain significance (1 of 4 stars; one submission).

Submission:

Labcorp Genetics (formerly Invitae), Labcorp
Classification: Uncertain significance. Last evaluated: 2025-04-12. Review status: criteria provided, single submitter. Criteria: Invitae Variant Classification Sherloc (09022015). Collection method: clinical testing. Allele origin: germline.
Comment: This sequence change replaces aspartic acid, which is acidic and polar, with valine, which is neutral and non-polar, at codon 3708 of the HERC1 protein (p.Asp3708Val). This variant is not present in population databases (gnomAD no frequency). This variant has not been reported in the literature in individuals affected with HERC1-related conditions. Invitae Evidence Modeling of protein sequence and biophysical properties (such as structural, functional, and spatial information, amino acid conservation, physicochemical variation, residue mobility, and thermodynamic stability) has been performed for this missense variant. However, the output from this modeling did not meet the statistical confidence thresholds required to predict the impact of this variant on HERC1 protein function. In summary, the available evidence is currently insufficient to determine the role of this variant in disease. Therefore, it has been classified as a Variant of Uncertain Significance.